The following is an entry in ClinVar:

NM_004525.3(LRP2):c.12476C>T (p.Ser4159Leu)

Gene: LRP2 (LDL receptor related protein 2; minus strand). Cytogenetic location: 2q31.1.
Variant type: single nucleotide variant.
Coding change: c.12476C>T on transcript NM_004525.3 (MANE Select); coding-DNA position 12476, C replaced by T.
Protein change: p.Ser4159Leu; replaces serine 4159 with leucine.
Molecular consequence: missense variant.
Genome position (GRCh38, 1-based): chr2:169,151,012, G>A on the plus strand (C>T on the coding strand, the complement: LRP2 is on the minus strand). VCF-style: chr2-169151012-G-A. GRCh37 (hg19) VCF-style: chr2-170007522-G-A.
Other names: c.12476C>T (NM_004525.2); short protein forms S4159L.
Identifiers: ClinVar variation 1021402 (VCV001021402.7), dbSNP rs147846992, ClinGen allele CA1952792.
Genomic context (GRCh38, chr2:169,151,012, plus strand): 5'-AGCCACTTTCTGTACCTTCCATCAAGTTTAGCCACCTCAATGCGTTTATTCTTGACATCT[G>A]ACCAGTAAATATGCCTGAATTCAGAGGGACAAAGTTAAACAACTGCAAAGCCTAGAGTAA-3'
Protein context (NP_004516.2, residues 4149-4169): VDWVGRHIYW[Ser4159Leu]DVKNKRIEVA

ClinVar aggregate classification (germline): Uncertain significance. Review status: criteria provided, multiple submitters, no conflicts (2 of 4 stars). 4 submissions from 4 submitters: Uncertain significance (4). Last evaluated 2025-11-02.

Conditions:
Donnai-Barrow syndrome. Also called: DBS/FOAR SYNDROME; FACIOOCULOACOUSTICORENAL SYNDROME. Identifiers: Orphanet 2143, MedGen C1857277, MONDO:0009104, OMIM 222448.

Allele frequency attached by ClinVar (database versions not stated): ESP Exome Variant Server 0.00023; gnomAD exomes 0.00001 and 0.00003; gnomAD 0.00012 and 0.00011; ExAC 0.00003; TOPMed 0.00012.
gnomAD v4.1: 31 of 1,613,964 alleles (0.0019%); highest among the groups gnomAD compares: African/African-American, 0.031%; no homozygotes.

Submissions (4):

GeneDx
Classification: Uncertain significance. Last evaluated: 2025-11-02. Review status: criteria provided, single submitter. Criteria: GeneDx Variant Classification Process June 2021. Collection method: clinical testing. Allele origin: germline. Affected: yes.
Comment: In silico analysis supports that this missense variant has a deleterious effect on protein structure/function; Has not been previously published as pathogenic or benign to our knowledge

Labcorp Genetics (formerly Invitae), Labcorp
Classification: Uncertain significance. Last evaluated: 2022-08-16. Review status: criteria provided, single submitter. Criteria: Invitae Variant Classification Sherloc (09022015). Collection method: clinical testing. Allele origin: germline.
Comment: This sequence change replaces serine, which is neutral and polar, with leucine, which is neutral and non-polar, at codon 4159 of the LRP2 protein (p.Ser4159Leu). This variant is present in population databases (rs147846992, gnomAD 0.04%). This variant has not been reported in the literature in individuals affected with LRP2-related conditions. ClinVar contains an entry for this variant (Variation ID: 1021402). Advanced modeling of protein sequence and biophysical properties (such as structural, functional, and spatial information, amino acid conservation, physicochemical variation, residue mobility, and thermodynamic stability) performed at Invitae indicates that this missense variant is not expected to disrupt LRP2 protein function. In summary, the available evidence is currently insufficient to determine the role of this variant in disease. Therefore, it has been classified as a Variant of Uncertain Significance.

Blueprint Genetics
Classification: Uncertain significance. Last evaluated: 2022-08-09. Review status: criteria provided, single submitter. Criteria: ACMG Guidelines, 2015. Collection method: clinical testing. Allele origin: germline.

Fulgent Genetics
Classification: Uncertain significance for Donnai-Barrow syndrome. Last evaluated: 2022-04-14. Review status: criteria provided, single submitter. Criteria: ACMG Guidelines, 2015. Collection method: clinical testing. Allele origin: unknown.